The following is an entry in ClinVar:

NM_000081.4(LYST):c.4487A>C (p.Lys1496Thr)

Gene: LYST (lysosomal trafficking regulator; minus strand). Cytogenetic location: 1q42.3.
Variant type: single nucleotide variant.
Coding change: c.4487A>C on transcript NM_000081.4 (MANE Select); coding-DNA position 4487, A replaced by C.
Protein change: p.Lys1496Thr; replaces lysine 1496 with threonine.
Molecular consequence: missense variant.
Genome position (GRCh38, 1-based): chr1:235,791,755, T>G on the plus strand (A>C on the coding strand, the complement: LYST is on the minus strand). VCF-style: chr1-235791755-T-G. GRCh37 (hg19) VCF-style: chr1-235955055-T-G.
Other names: c.4487A>C, p.Lys1496Thr (NM_001301365.1); c.4487A>C (NM_000081.2); short protein forms K1496T.
Identifiers: ClinVar variation 582222 (VCV000582222.8), dbSNP rs750331195, ClinGen allele CA1466841.

ClinVar aggregate classification (germline): Uncertain significance. Review status: criteria provided, multiple submitters, no conflicts (2 of 4 stars). 2 submissions from 2 submitters: Uncertain significance (2). Last evaluated 2025-03-25.

Conditions:
Inborn genetic diseases. Identifiers: MedGen C0950123, MeSH D030342.
Chédiak-Higashi syndrome (CHS). Also called: Chediak-Higashi Syndrome. Identifiers: Orphanet 167, MedGen C0007965, MONDO:0008963, OMIM 214500.

Allele frequency attached by ClinVar (database versions not stated): TOPMed below 0.00001; gnomAD 0.00001; gnomAD exomes 0.00001; ExAC 0.00002.
gnomAD v4.1: 9 of 1,613,500 alleles (0.00056%); highest among the groups gnomAD compares: East Asian, 0.0067%; no homozygotes.

Submissions (2):

Ambry Genetics
Classification: Uncertain significance for Inborn genetic diseases. Last evaluated: 2025-03-25. Review status: criteria provided, single submitter. Criteria: Ambry Variant Classification Scheme 2023. Collection method: clinical testing. Allele origin: germline.

Labcorp Genetics (formerly Invitae), Labcorp
Classification: Uncertain significance for Chédiak-Higashi syndrome. Last evaluated: 2025-03-25. Review status: criteria provided, single submitter. Criteria: Invitae Variant Classification Sherloc (09022015). Collection method: clinical testing. Allele origin: germline.
Comment: This sequence change replaces lysine, which is basic and polar, with threonine, which is neutral and polar, at codon 1496 of the LYST protein (p.Lys1496Thr). This variant is present in population databases (rs750331195, gnomAD 0.02%). This variant has not been reported in the literature in individuals affected with LYST-related conditions. ClinVar contains an entry for this variant (Variation ID: 582222). Invitae Evidence Modeling of protein sequence and biophysical properties (such as structural, functional, and spatial information, amino acid conservation, physicochemical variation, residue mobility, and thermodynamic stability) indicates that this missense variant is not expected to disrupt LYST protein function with a negative predictive value of 80%. In summary, the available evidence is currently insufficient to determine the role of this variant in disease. Therefore, it has been classified as a Variant of Uncertain Significance.